The following is an entry in ClinVar:

ClinVar aggregate classification (germline): Uncertain significance (1 of 4 stars; one submission).

Allele frequency attached by ClinVar (database versions not stated): gnomAD 0.00001; ExAC 0.00002; TOPMed 0.00002; gnomAD exomes 0.00003; ESP Exome Variant Server 0.00008.
gnomAD v4.1: 41 of 1,575,174 alleles (0.0026%); highest among the groups gnomAD compares: Non-Finnish European, 0.0033%; no homozygotes.

Submission:

Labcorp Genetics (formerly Invitae), Labcorp
Classification: Uncertain significance. Last evaluated: 2024-02-24. Review status: criteria provided, single submitter. Criteria: Invitae Variant Classification Sherloc (09022015). Collection method: clinical testing. Allele origin: germline.
Comment: This sequence change replaces threonine, which is neutral and polar, with methionine, which is neutral and non-polar, at codon 687 of the TAOK2 protein (p.Thr687Met). This variant is present in population databases (rs372787552, gnomAD 0.007%). This variant has not been reported in the literature in individuals affected with TAOK2-related conditions. ClinVar contains an entry for this variant (Variation ID: 1922091). An algorithm developed to predict the effect of missense changes on protein structure and function (PolyPhen-2) suggests that this variant is likely to be tolerated. In summary, the available evidence is currently insufficient to determine the role of this variant in disease. Therefore, it has been classified as a Variant of Uncertain Significance.

NM_016151.4(TAOK2):c.2060C>T (p.Thr687Met)

Gene: TAOK2 (TAO kinase 2; plus strand). Cytogenetic location: 16p11.2.
Variant type: single nucleotide variant.
Coding change: c.2060C>T on transcript NM_016151.4 (MANE Select); coding-DNA position 2060, C replaced by T.
Protein change: p.Thr687Met; replaces threonine 687 with methionine.
Molecular consequence: missense variant.
Genome position (GRCh38, 1-based): chr16:29,986,332, C>T. VCF-style: chr16-29986332-C-T. GRCh37 (hg19) VCF-style: chr16-29997653-C-T.
Other names: c.2060C>T, p.Thr687Met (NM_001252043.2, NM_004783.4); short protein forms T687M.
Identifiers: ClinVar variation 1922091 (VCV001922091.5), dbSNP rs372787552, ClinGen allele CA7998300.